The following is an entry in ClinVar:

ClinVar aggregate classification (germline): Uncertain significance. Review status: criteria provided, multiple submitters, no conflicts (2 of 4 stars). 2 submissions from 2 submitters: Uncertain significance (2). Last evaluated 2020-09-25.

Conditions:
Early-infantile DEE. Also called: Ohtahara syndrome; Early infantile epileptic encephalopathy; Early infantile epileptic encephalopathy with suppression bursts. Identifiers: Orphanet 1934, MedGen C0393706, MONDO:0800491.
Generalized epilepsy with febrile seizures plus, type 2 (GEFSP2). Also called: GEFS+, TYPE 2. Identifiers: Orphanet 36387, MedGen C1858673, MONDO:0011461, OMIM 604403.

Allele frequency attached by ClinVar (database versions not stated): gnomAD exomes below 0.00001; ExAC 0.00001.
gnomAD v4.1: 1 of 1,613,684 alleles (0.000062%); highest among the groups gnomAD compares: South Asian, 0.0011%; no homozygotes.

Submissions (2):

Labcorp Genetics (formerly Invitae), Labcorp
Classification: Uncertain significance for Early-infantile DEE. Last evaluated: 2020-09-25. Review status: criteria provided, single submitter. Criteria: Invitae Variant Classification Sherloc (09022015). Collection method: clinical testing. Allele origin: germline.
Comment: In summary, the available evidence is currently insufficient to determine the role of this variant in disease. Therefore, it has been classified as a Variant of Uncertain Significance. Advanced modeling of protein sequence and biophysical properties (such as structural, functional, and spatial information, amino acid conservation, physicochemical variation, residue mobility, and thermodynamic stability) performed at Invitae indicates that this missense variant is not expected to disrupt SCN1A protein function. This variant has not been reported in the literature in individuals with SCN1A-related conditions. ClinVar contains an entry for this variant (Variation ID: 206884). This variant is present in population databases (rs760676898, ExAC 0.006%). This sequence change replaces isoleucine with threonine at codon 1961 of the SCN1A protein (p.Ile1961Thr). The isoleucine residue is highly conserved and there is a moderate physicochemical difference between isoleucine and threonine.

Geisinger Autism and Developmental Medicine Institute, Geisinger Health System
Classification: Uncertain significance for Generalized epilepsy with febrile seizures plus, type 2. Last evaluated: 2018-02-23. Review status: criteria provided, single submitter. Criteria: ACMG Guidelines, 2015. Collection method: provider interpretation, clinical testing. Allele origin: paternal. Observed: 1 variant allele.
Comment: The variant is present in the gnomAD South Asian population at 0.0032%. Computational prediction models are inconsistent.

NM_001165963.4(SCN1A):c.5882T>C (p.Ile1961Thr)

Genes: SCN1A (sodium voltage-gated channel alpha subunit 1; minus strand), LOC102724058 (uncharacterized LOC102724058; plus strand). Cytogenetic location: 2q24.3.
Variant type: single nucleotide variant.
Coding change: c.5882T>C on transcript NM_001165963.4 (MANE Select); coding-DNA position 5882, T replaced by C.
Protein change: p.Ile1961Thr; replaces isoleucine 1961 with threonine.
Molecular consequence: missense variant. On other transcripts: non-coding transcript variant (1).
Genome position (GRCh38, 1-based): chr2:165,991,393, A>G on the plus strand (T>C on the coding strand, the complement: SCN1A is on the minus strand). VCF-style: chr2-165991393-A-G. GRCh37 (hg19) VCF-style: chr2-166847903-A-G.
Other names: c.5798T>C, p.Ile1933Thr (NM_001165964.3, NM_001353957.2, NM_001353958.2); c.5882T>C, p.Ile1961Thr (NM_001202435.3, NM_001353948.2); c.5849T>C, p.Ile1950Thr (NM_001353949.2, NM_001353950.2, NM_001353951.2 and 2 more transcripts); c.5846T>C, p.Ile1949Thr (NM_001353954.2, NM_001353955.2); c.5795T>C, p.Ile1932Thr (NM_001353960.2); c.3440T>C, p.Ile1147Thr (NM_001353961.2); short protein forms I1950T, I1961T, I1933T, I1949T, I1147T, I1932T.
Identifiers: ClinVar variation 206884 (VCV000206884.12), dbSNP rs760676898, ClinGen allele CA317678.